The following is an entry in ClinVar:

ClinVar aggregate classification (germline): Benign. Review status: reviewed by expert panel (3 of 4 stars). 24 submissions from 24 submitters: Benign (1). 23 of the submissions do not count toward it. Last evaluated 2017-06-29.

Conditions:
BRCA1-related disorder. Also called: BRCA1-related condition.
Breast and/or ovarian cancer. Identifiers: MedGen CN221562.
Hereditary cancer-predisposing syndrome. Also called: Neoplastic Syndromes, Hereditary; Tumor predisposition; Hereditary neoplastic syndrome; Hereditary Cancer Syndrome. Identifiers: Orphanet 140162, MedGen C0027672, MeSH D009386, MONDO:0015356.
Hereditary breast ovarian cancer syndrome. Also called: Breast and ovarian cancer; BRCA1- and BRCA2-Associated Hereditary Breast and Ovarian Cancer; Hereditary breast and/or ovarian cancer syndrome; Hereditary breast and ovarian cancer syndrome; Hereditary breast and ovarian cancer; Hereditary breast and ovarian cancer syndrome (HBOC). Identifiers: Orphanet 145, MedGen C0677776, MeSH D061325, MONDO:0003582. Disease mechanism: loss of function.
Breast-ovarian cancer, familial, susceptibility to, 1 (BROVCA1). Also called: BRCA1 Hereditary Breast and Ovarian Cancer; OVARIAN CANCER, SUSCEPTIBILITY TO. Identifiers: Orphanet 145, MedGen C2676676, MONDO:0011450, OMIM 604370. Disease mechanism: loss of function.
Familial cancer of breast. Also called: Hereditary breast cancer; hereditary breast carcinoma; BREAST CANCER, FAMILIAL. Identifiers: Orphanet 227535, MedGen C0346153, MONDO:0016419, OMIM 114480. Disease mechanism: loss of function.
Malignant tumor of breast. Also called: Malignant breast neoplasm; Cancer breast. Identifiers: MedGen C0006142, MONDO:0007254. Disease mechanism: loss of function.

Allele frequency attached by ClinVar (database versions not stated): gnomAD exomes 0.00017 and 0.00044; ExAC 0.00052; gnomAD 0.00157 and 0.00165; 1000 Genomes Project 0.00160; ESP Exome Variant Server 0.00169; TOPMed 0.00174; 1000 Genomes Project 30x 0.00203.
gnomAD v4.1: 494 of 1,613,436 alleles (0.031%); highest among the groups gnomAD compares: African/African-American, 0.59%; 2 homozygotes.

Submissions 1 to 20 of 25:

Evidence-based Network for the Interpretation of Germline Mutant Alleles (ENIGMA)
Classification: Benign for Breast-ovarian cancer, familial, susceptibility to, 1. Last evaluated: 2017-06-29. Review status: reviewed by expert panel. Criteria: ENIGMA BRCA1/2 Classification Criteria (2017-06-29). Collection method: curation. Allele origin: germline.
Comment: Synonymous substitution variant, with low bioinformatic likelihood to alter mRNA splicing (splicing prior 0.02) and frequency 0.0053 (African), derived from ExAC (2014-12-17).

CeGaT Center for Human Genetics Tuebingen
Classification: Likely benign. Last evaluated: 2026-09-01. Review status: criteria provided, single submitter. Criteria: CeGaT Center For Human Genetics Tuebingen Variant Classification Criteria Version 2. Collection method: clinical testing. Allele origin: germline. Affected: yes. Observed: 1 variant allele. Not counted in ClinVar's aggregate classification.
Comment: BRCA1: BP4, BP7

Labcorp Genetics (formerly Invitae), Labcorp
Classification: Benign for Hereditary breast ovarian cancer syndrome. Last evaluated: 2026-01-30. Review status: criteria provided, single submitter. Criteria: Invitae Variant Classification Sherloc (09022015). Collection method: clinical testing. Allele origin: germline. Not counted in ClinVar's aggregate classification.

ARUP Laboratories, Molecular Genetics and Genomics, ARUP Laboratories
Classification: Benign. Last evaluated: 2025-06-16. Review status: criteria provided, single submitter. Criteria: ARUP Molecular Germline Variant Investigation Process 2024. Collection method: clinical testing. Allele origin: germline. Not counted in ClinVar's aggregate classification.

Center for Genomic Medicine, Rigshospitalet, Copenhagen University Hospital
Classification: Benign. Last evaluated: 2025-03-04. Review status: criteria provided, single submitter. Criteria: ACMG Guidelines, 2015. Collection method: clinical testing. Allele origin: germline. Not counted in ClinVar's aggregate classification.
Comment: Classification criteria: BA1

Blueprint Genetics
Classification: Likely benign. Last evaluated: 2024-10-30. Review status: criteria provided, single submitter. Criteria: ACMG Guidelines, 2015. Collection method: clinical testing. Allele origin: germline. Not counted in ClinVar's aggregate classification.

National Health Laboratory Service, Universitas Academic Hospital and University of the Free State
Classification: Benign for Hereditary breast ovarian cancer syndrome. Last evaluated: 2022-04-19. Review status: criteria provided, single submitter. Criteria: ACMG Guidelines, 2015. Collection method: clinical testing. Allele origin: germline. Affected: yes. Observed: 2 variant alleles. Not counted in ClinVar's aggregate classification.

Genetics Program, Instituto Nacional de Cancer
Classification: Likely benign for Hereditary breast ovarian cancer syndrome. Last evaluated: 2021-11-01. Review status: criteria provided, single submitter. Criteria: ACMG Guidelines, 2015. Collection method: research. Allele origin: germline. Affected: yes. Not counted in ClinVar's aggregate classification.

Genetic Services Laboratory, University of Chicago
Classification: Benign. Last evaluated: 2021-10-20. Review status: criteria provided, single submitter. Criteria: ACMG Guidelines, 2015. Collection method: clinical testing. Allele origin: germline. Affected: no. Not counted in ClinVar's aggregate classification.

Sema4
Classification: Benign for Hereditary cancer-predisposing syndrome. Last evaluated: 2020-09-29. Review status: criteria provided, single submitter. Criteria: Sema4 Curation Guidelines. Collection method: curation. Allele origin: germline. Not counted in ClinVar's aggregate classification.

Illumina Laboratory Services, Illumina
Classification: Likely benign for Breast-ovarian cancer, familial, susceptibility to, 1. Last evaluated: 2018-01-13. Review status: criteria provided, single submitter. Criteria: ICSL Variant Classification Criteria 13 December 2019. Collection method: clinical testing. Allele origin: germline. Not counted in ClinVar's aggregate classification.
Comment: This variant was observed in the ICSL laboratory as part of a predisposition screen in an ostensibly healthy population. It had not been previously curated by ICSL or reported in the Human Gene Mutation Database (HGMD: prior to June 1st, 2018), and was therefore a candidate for classification through an automated scoring system. Utilizing variant allele frequency, disease prevalence and penetrance estimates, and inheritance mode, an automated score was calculated to assess if this variant is too frequent to cause the disease. Based on the score and internal cut-off values, a variant classified as likely benign is not then subjected to further curation. The score for this variant resulted in a classification of likely benign for this disease.

Baylor Genetics
Classification: Benign for Familial cancer of breast. Last evaluated: 2017-02-23. Review status: criteria provided, single submitter. Criteria: ACMG Guidelines, 2015. Collection method: clinical testing. Allele origin: germline. Inheritance: Autosomal dominant inheritance. Affected: no. Not counted in ClinVar's aggregate classification.

CHEO Genetics Diagnostic Laboratory, Children's Hospital of Eastern Ontario
Classification: Benign for Breast and/or ovarian cancer. Last evaluated: 2017-01-18. Review status: criteria provided, single submitter. Criteria: ACMG Guidelines, 2015. Collection method: clinical testing. Allele origin: germline. Study: Canadian Open Genetics Repository. Not counted in ClinVar's aggregate classification.

Color Diagnostics, LLC DBA Color Health
Classification: Benign for Hereditary cancer-predisposing syndrome. Last evaluated: 2015-12-28. Review status: criteria provided, single submitter. Criteria: ACMG Guidelines, 2015. Collection method: clinical testing. Allele origin: germline. Not counted in ClinVar's aggregate classification.

Eurofins Ntd Llc (ga)
Classification: Benign. Last evaluated: 2014-12-23. Review status: criteria provided, single submitter. Criteria: EGL Classification Definitions 2015. Collection method: clinical testing. Allele origin: germline. Observed: 3 variant alleles, 3 heterozygotes. Not counted in ClinVar's aggregate classification.

Ambry Genetics
Classification: Likely benign for Hereditary cancer-predisposing syndrome. Last evaluated: 2014-09-09. Review status: criteria provided, single submitter. Criteria: Ambry Variant Classification Scheme 2023. Collection method: clinical testing. Allele origin: germline. Not counted in ClinVar's aggregate classification.

GeneDx
Classification: Benign. Last evaluated: 2014-01-15. Review status: criteria provided, single submitter. Criteria: GeneDx Variant Classification (06012015). Collection method: clinical testing. Allele origin: germline. Affected: yes. Not counted in ClinVar's aggregate classification.
Comment: This variant is considered likely benign or benign based on one or more of the following criteria: it is a conservative change, it occurs at a poorly conserved position in the protein, it is predicted to be benign by multiple in silico algorithms, and/or has population frequency not consistent with disease.

Breakthrough Genomics
Classification: Benign. Review status: criteria provided, single submitter. Criteria: ACMG Guidelines, 2015. Collection method: not provided. Allele origin: germline. Inheritance: Autosomal recessive inheritance. Affected: yes. Not counted in ClinVar's aggregate classification.

PreventionGenetics, part of Exact Sciences
Classification: Benign for BRCA1-related condition. Last evaluated: 2019-04-10. Review status: no assertion criteria provided. Collection method: clinical testing. Allele origin: germline. Not counted in ClinVar's aggregate classification.
Comment: This variant is classified as benign based on ACMG/AMP sequence variant interpretation guidelines (Richards et al. 2015 PMID: 25741868, with internal and published modifications).

Mayo Clinic Laboratories, Mayo Clinic
Classification: Likely benign. Last evaluated: 2017-11-16. Review status: no assertion criteria provided. Collection method: clinical testing. Allele origin: unknown. Not counted in ClinVar's aggregate classification.

NM_007294.4(BRCA1):c.21C>T (p.Arg7=)

Gene: BRCA1 (BRCA1 DNA repair associated; minus strand). Cytogenetic location: 17q21.31.
Variant type: single nucleotide variant.
Coding change: c.21C>T on transcript NM_007294.4 (MANE Select); coding-DNA position 21, C replaced by T.
Protein change: p.Arg7=; no amino-acid change (arginine 7 retained).
Molecular consequence: synonymous variant. On other transcripts: 5 prime UTR variant (136), intron variant (36).
Genome position (GRCh38, 1-based): chr17:43,124,076, G>A on the plus strand (C>T on the coding strand, the complement: BRCA1 is on the minus strand). VCF-style: chr17-43124076-G-A. GRCh37 (hg19) VCF-style: chr17-41276093-G-A.
Other names: p.R7R:CGC>CGT; NP_009225.1:p.Arg7=; c.-168C>T (NM_001407571.1, NM_001407853.1, NM_001407879.1 and 46 more transcripts); c.21C>T, p.Arg7= (NM_001407581.1, NM_001407582.1, NM_001407583.1 and 193 more transcripts); c.-237C>T (NM_001407694.1, NM_001407724.1, NM_001407727.1 and 11 more transcripts); c.-241C>T (NM_001407695.1, NM_001408465.1); c.-382C>T (NM_001407696.1); c.-266C>T (NM_001407697.1, NM_001407846.1, NM_001407920.1); and 25 more.
Identifiers: ClinVar variation 136537 (VCV000136537.94), dbSNP rs149402012, ClinGen allele CA001470.